The following is an entry in ClinVar:

ClinVar aggregate classification (germline): Conflicting classifications of pathogenicity. Review status: criteria provided, conflicting classifications (1 of 4 stars). 2 submissions from 2 submitters: Pathogenic (1); Uncertain significance (1). Last evaluated 2025-08-12.

Conditions:
CHD7-related CHARGE syndrome. Identifiers: MedGen CN380413, MONDO:1010178, OMIM 214800.

Submissions (2):

3billion
Classification: Pathogenic for CHD7-related CHARGE syndrome. Last evaluated: 2025-08-12. Review status: criteria provided, single submitter. Criteria: ACMG Guidelines, 2015. Collection method: clinical testing. Allele origin: germline. Affected: yes.
Comment: The variant is not observed in the gnomAD v4.1.0 dataset. Predicted Consequence/Location: Missense variant In silico tool predictions suggest damaging effect of the variant on gene or gene product [REVEL: 0.89 (>=0.6, sensitivity 0.68 and specificity 0.92)]. The same nucleotide change resulting in the same amino acid change has been previously reported to be associated with CHD7-related disorder (PMID: 38544359).The variant has been previously reported as de novo in a similarly affected individual (PMID: 38544359). Different missense changes at the same codon (p.Gly2108Arg, p.Gly2108Trp) have been reported as pathogenic/likely pathogenic with strong evidence (ClinVar ID: VCV000002032, VCV003345880 /PMID: 18074359, 25818041). Therefore, this variant is classified as Pathogenic according to the recommendation of ACMG/AMP guideline.

GeneDx
Classification: Uncertain significance. Last evaluated: 2023-01-04. Review status: criteria provided, single submitter. Criteria: GeneDx Variant Classification Process June 2021. Collection method: clinical testing. Allele origin: germline. Affected: yes.
Comment: Not observed at significant frequency in large population cohorts (gnomAD); In silico analysis supports that this missense variant has a deleterious effect on protein structure/function; Has not been previously published as pathogenic or benign to our knowledge

Literature cited by the submitters: PubMed 18074359 (cited by 3billion); PubMed 38544359 (cited by 3billion).

NM_017780.4(CHD7):c.6323G>A (p.Gly2108Glu)

Gene: CHD7 (chromodomain helicase DNA binding protein 7; plus strand). Cytogenetic location: 8q12.2.
Variant type: single nucleotide variant.
Coding change: c.6323G>A on transcript NM_017780.4 (MANE Select); coding-DNA position 6323, G replaced by A.
Protein change: p.Gly2108Glu; replaces glycine 2108 with glutamic acid.
Molecular consequence: missense variant. On other transcripts: intron variant (1).
Genome position (GRCh38, 1-based): chr8:60,853,048, G>A. VCF-style: chr8-60853048-G-A. GRCh37 (hg19) VCF-style: chr8-61765607-G-A.
Other names: c.1717-9181G>A (NM_001316690.1); short protein forms G2108E.
Identifiers: ClinVar variation 2571693 (VCV002571693.2), dbSNP rs2488041969, ClinGen allele CA371324790.